The following is an entry in ClinVar:

NM_024870.4(PREX2):c.3882G>A (p.Lys1294=)

Gene: PREX2 (phosphatidylinositol-3,4,5-trisphosphate dependent Rac exchange factor 2; plus strand). Cytogenetic location: 8q13.2.
Variant type: single nucleotide variant.
Coding change: c.3882G>A on transcript NM_024870.4 (MANE Select); coding-DNA position 3882, G replaced by A.
Protein change: p.Lys1294=; no amino-acid change (lysine 1294 retained).
Molecular consequence: synonymous variant.
Genome position (GRCh38, 1-based): chr8:68,134,174, G>A. VCF-style: chr8-68134174-G-A. GRCh37 (hg19) VCF-style: chr8-69046409-G-A.
Other names: c.3882G>A (NM_024870.3).
Identifiers: ClinVar variation 1274446 (VCV001274446.4), dbSNP rs3793379, ClinGen allele CA4774609.

ClinVar aggregate classification (germline): Benign. Review status: criteria provided, multiple submitters, no conflicts (2 of 4 stars). 3 submissions from 3 submitters: Benign (2). 1 of the submissions does not count toward it. Last evaluated 2019-03-07.

Conditions:
PREX2-related disorder. Also called: PREX2-related condition.

Allele frequency attached by ClinVar (database versions not stated): ESP Exome Variant Server 0.10080; TOPMed 0.10888; gnomAD 0.11004 and 0.11330; 1000 Genomes Project 30x 0.11774; 1000 Genomes Project 0.12101; ExAC 0.13340; gnomAD exomes 0.13404 and 0.13942.
gnomAD v4.1: 213,153 of 1,613,932 alleles (13%); highest among the groups gnomAD compares: Admixed American, 18%; 14,967 homozygotes.

Submissions (3):

GeneDx
Classification: Benign. Last evaluated: 2019-03-07. Review status: criteria provided, single submitter. Criteria: GeneDx Variant Classification Process June 2021. Collection method: clinical testing. Allele origin: germline. Affected: yes.

Breakthrough Genomics
Classification: Benign. Review status: criteria provided, single submitter. Criteria: ACMG Guidelines, 2015. Collection method: not provided. Allele origin: germline. Inheritance: Unknown mechanism. Affected: yes.

PreventionGenetics, part of Exact Sciences
Classification: Benign for PREX2-related condition. Last evaluated: 2019-12-09. Review status: no assertion criteria provided. Collection method: clinical testing. Allele origin: germline. Not counted in ClinVar's aggregate classification.
Comment: This variant is classified as benign based on ACMG/AMP sequence variant interpretation guidelines (Richards et al. 2015 PMID: 25741868, with internal and published modifications).